The following is an entry in ClinVar:

ClinVar aggregate classification (germline): Likely benign. Review status: criteria provided, multiple submitters, no conflicts (2 of 4 stars). 2 submissions from 2 submitters: Likely benign (2). Last evaluated 2025-02-19.

Conditions:
TRIOBP-related disorder. Also called: TRIOBP-related condition.

Allele frequency attached by ClinVar (database versions not stated): gnomAD 0.00027; 1000 Genomes Project 30x 0.00031; gnomAD exomes 0.00045; ExAC 0.00151.
gnomAD v4.1: 459 of 1,072,548 alleles (0.043%); highest among the groups gnomAD compares: Non-Finnish European, 0.046%; no homozygotes.

Submissions (2):

PreventionGenetics, part of Exact Sciences
Classification: Likely benign for TRIOBP-related condition. Last evaluated: 2025-02-19. Review status: criteria provided, single submitter. Criteria: ACMG Guidelines, 2015. Collection method: clinical testing. Allele origin: germline.
Comment: This variant is classified as likely benign based on ACMG/AMP sequence variant interpretation guidelines (Richards et al. 2015 PMID: 25741868, with internal and published modifications).

CeGaT Center for Human Genetics Tuebingen
Classification: Likely benign. Last evaluated: 2022-03-01. Review status: criteria provided, single submitter. Criteria: CeGaT Center For Human Genetics Tuebingen Variant Classification Criteria Version 2. Collection method: clinical testing. Allele origin: germline. Affected: yes. Observed: 1 variant allele.
Comment: TRIOBP: BP4, BP7

NM_001039141.3(TRIOBP):c.5322+5241A>G

Gene: TRIOBP (TRIO and F-actin binding protein; plus strand). Cytogenetic location: 22q13.1.
Variant type: single nucleotide variant.
Coding change: c.5322+5241A>G on transcript NM_001039141.3 (MANE Select); 5241 bases into the intron after coding-DNA position 5322, A replaced by G.
Molecular consequence: intron variant. On other transcripts: synonymous variant (2).
Genome position (GRCh38, 1-based): chr22:37,746,273, A>G. VCF-style: chr22-37746273-A-G. GRCh37 (hg19) VCF-style: chr22-38142280-A-G.
Other names: c.36A>G, p.Gly12= (NM_007032.5, NM_138632.2).
Identifiers: ClinVar variation 2653123 (VCV002653123.25), dbSNP rs770881686, ClinGen allele CA10224589.